The following is an entry in ClinVar:

ClinVar aggregate classification (germline): Likely benign (1 of 4 stars; one submission).

Submission:

CeGaT Center for Human Genetics Tuebingen
Classification: Likely benign. Last evaluated: 2026-09-01. Review status: criteria provided, single submitter. Criteria: CeGaT Center For Human Genetics Tuebingen Variant Classification Criteria Version 2. Collection method: clinical testing. Allele origin: germline. Affected: yes. Observed: 1 variant allele.
Comment: SLITRK2: BP4, BP7

NM_032539.5(SLITRK2):c.180C>G (p.Pro60=)

Gene: SLITRK2 (SLIT and NTRK like family member 2; plus strand). Cytogenetic location: Xq27.3.
Variant type: single nucleotide variant.
Coding change: c.180C>G on transcript NM_032539.5 (MANE Select); coding-DNA position 180, C replaced by G.
Protein change: p.Pro60=; no amino-acid change (proline 60 retained).
Molecular consequence: synonymous variant.
Genome position (GRCh38, 1-based): chrX:145,822,605, C>G. VCF-style: chrX-145822605-C-G. GRCh37 (hg19) VCF-style: chrX-144904123-C-G.
Other names: c.180C>G, p.Pro60= (NM_001144003.3, NM_001144004.3, NM_001144005.3 and 4 more transcripts).
Identifiers: ClinVar variation 5041562 (VCV005041562.1).
Genomic context (GRCh38, chrX:145,822,605, plus strand): 5'-CGTACTGAATATCAACTGTGAGAACAAAGGATTTACAACAGTTAGCCTGCTCCAGCCCCC[C>G]CAGTATCGAATCTATCAGCTTTTTCTCAATGGAAACCTCTTGACAAGACTGTATCCAAAC-3'
Protein context (NP_115928.1, residues 50-70): GFTTVSLLQP[Pro60=]QYRIYQLFLN